The following is an entry in ClinVar:

NM_054012.4(ASS1):c.656C>A (p.Thr219Asn)

Gene: ASS1 (argininosuccinate synthase 1; plus strand). Cytogenetic location: 9q34.11.
Variant type: single nucleotide variant.
Coding change: c.656C>A on transcript NM_054012.4 (MANE Select); coding-DNA position 656, C replaced by A.
Protein change: p.Thr219Asn; replaces threonine 219 with asparagine.
Molecular consequence: missense variant.
Genome position (GRCh38, 1-based): chr9:130,476,929, C>A. VCF-style: chr9-130476929-C-A. GRCh37 (hg19) VCF-style: chr9-133352316-C-A.
Other names: c.656C>A, p.Thr219Asn (NM_000050.4); short protein forms T219N.
Identifiers: ClinVar variation 1371412 (VCV001371412.5), dbSNP rs769538241, ClinGen allele CA5283408.

ClinVar aggregate classification (germline): Uncertain significance. Review status: criteria provided, multiple submitters, no conflicts (2 of 4 stars). 2 submissions from 2 submitters: Uncertain significance (2). Last evaluated 2025-11-11.

Conditions:
Inborn genetic diseases. Identifiers: MedGen C0950123, MeSH D030342.
Citrullinemia. Identifiers: Orphanet 187, MedGen C0175683, MONDO:0015991.

Allele frequency attached by ClinVar (database versions not stated): ExAC 0.00002; gnomAD 0.00001; gnomAD exomes 0.00002 and 0.00003; TOPMed 0.00001.
gnomAD v4.1: 24 of 1,614,028 alleles (0.0015%); highest among the groups gnomAD compares: Middle Eastern, 0.082%; no homozygotes.

Submissions (2):

Ambry Genetics
Classification: Uncertain significance for Inborn genetic diseases. Last evaluated: 2025-11-11. Review status: criteria provided, single submitter. Criteria: Ambry Variant Classification Scheme 2023. Collection method: clinical testing. Allele origin: germline.

Labcorp Genetics (formerly Invitae), Labcorp
Classification: Uncertain significance for Citrullinemia. Last evaluated: 2021-11-11. Review status: criteria provided, single submitter. Criteria: Invitae Variant Classification Sherloc (09022015). Collection method: clinical testing. Allele origin: germline.
Comment: This sequence change replaces threonine, which is neutral and polar, with asparagine, which is neutral and polar, at codon 219 of the ASS1 protein (p.Thr219Asn). This variant is present in population databases (rs769538241, gnomAD 0.01%). This variant has not been reported in the literature in individuals affected with ASS1-related conditions. Algorithms developed to predict the effect of missense changes on protein structure and function (SIFT, PolyPhen-2, Align-GVGD) all suggest that this variant is likely to be tolerated. In summary, the available evidence is currently insufficient to determine the role of this variant in disease. Therefore, it has been classified as a Variant of Uncertain Significance.